The following is an entry in ClinVar:

ClinVar aggregate classification (germline): Uncertain significance (1 of 4 stars; one submission).

Submission:

Labcorp Genetics (formerly Invitae), Labcorp
Classification: Uncertain significance. Last evaluated: 2024-06-03. Review status: criteria provided, single submitter. Criteria: Invitae Variant Classification Sherloc (09022015). Collection method: clinical testing. Allele origin: germline.
Comment: This sequence change replaces serine, which is neutral and polar, with threonine, which is neutral and polar, at codon 2051 of the ZNF469 protein (p.Ser2051Thr). This variant is not present in population databases (gnomAD no frequency). This variant has not been reported in the literature in individuals affected with ZNF469-related conditions. ClinVar contains an entry for this variant (Variation ID: 1715248). An algorithm developed to predict the effect of missense changes on protein structure and function (PolyPhen-2) suggests that this variant is likely to be tolerated. In summary, the available evidence is currently insufficient to determine the role of this variant in disease. Therefore, it has been classified as a Variant of Uncertain Significance.

NM_001367624.2(ZNF469):c.6235T>A (p.Ser2079Thr)

Gene: ZNF469 (zinc finger protein 469; plus strand). Cytogenetic location: 16q24.2.
Variant type: single nucleotide variant.
Coding change: c.6235T>A on transcript NM_001367624.2 (MANE Select); coding-DNA position 6235, T replaced by A.
Protein change: p.Ser2079Thr; replaces serine 2079 with threonine.
Molecular consequence: missense variant.
Genome position (GRCh38, 1-based): chr16:88,433,705, T>A. VCF-style: chr16-88433705-T-A. GRCh37 (hg19) VCF-style: chr16-88500113-T-A.
Other names: short protein forms S2079T.
Identifiers: ClinVar variation 1715248 (VCV001715248.5), dbSNP rs2507592827, ClinGen allele CA397104921.